The following is an entry in ClinVar:

NM_013450.4(BAZ2B):c.1358A>C (p.Lys453Thr)

Gene: BAZ2B (bromodomain adjacent to zinc finger domain 2B; minus strand). Cytogenetic location: 2q24.2.
Variant type: single nucleotide variant.
Coding change: c.1358A>C on transcript NM_013450.4 (MANE Select); coding-DNA position 1358, A replaced by C.
Protein change: p.Lys453Thr; replaces lysine 453 with threonine.
Molecular consequence: missense variant.
Genome position (GRCh38, 1-based): chr2:159,433,299, T>G on the plus strand (A>C on the coding strand, the complement: BAZ2B is on the minus strand). VCF-style: chr2-159433299-T-G. GRCh37 (hg19) VCF-style: chr2-160289810-T-G.
Other names: c.1352A>C, p.Lys451Thr (NM_001289975.1); c.1169A>C, p.Lys390Thr (NM_001329857.2); c.1358A>C, p.Lys453Thr (NM_001329858.2); short protein forms K390T, K451T, K453T.
Identifiers: ClinVar variation 4056050 (VCV004056050.1).
Genomic context (GRCh38, chr2:159,433,299, plus strand): 5'-TGTTTTGGATGTGCTGGTGAACTAGAGGTTGCTTTTGGATTTGACAAAGCTGCAATAACC[T>G]TCTTCAGGCTCTTCGATGACTCTTGTTTCTTTAACTGTGATGGGAATGCCTGTTTATATT-3'
Protein context (NP_038478.2, residues 443-463): KKQESSKSLK[Lys453Thr]VIAALSNPKA

ClinVar aggregate classification (germline): Uncertain significance (1 of 4 stars; one submission).

Submission:

GeneDx
Classification: Uncertain significance. Last evaluated: 2025-01-06. Review status: criteria provided, single submitter. Criteria: GeneDx Variant Classification Process June 2021. Collection method: clinical testing. Allele origin: germline. Affected: yes.
Comment: Not observed at significant frequency in large population cohorts (gnomAD); In silico analysis indicates that this missense variant does not alter protein structure/function; Has not been previously published as pathogenic or benign to our knowledge